The following is an entry in ClinVar:

ClinVar aggregate classification (germline): Benign/Likely benign. Review status: criteria provided, multiple submitters, no conflicts (2 of 4 stars). 14 submissions from 14 submitters: Benign (9); Likely benign (4). 1 of the submissions does not count toward it. Last evaluated 2026-06-01.

Conditions:
Classic or attenuated familial adenomatous polyposis. Identifiers: MedGen CN372698, MONDO:0021057.
Hereditary cancer-predisposing syndrome. Also called: Tumor predisposition; Neoplastic Syndromes, Hereditary; Hereditary Cancer Syndrome; Hereditary neoplastic syndrome. Identifiers: Orphanet 140162, MedGen C0027672, MeSH D009386, MONDO:0015356.
Familial adenomatous polyposis 1 (FAP1). Also called: POLYPOSIS, ADENOMATOUS INTESTINAL; FAMILIAL ADENOMATOUS POLYPOSIS 1, ATTENUATED. Identifiers: MedGen C2713442, MONDO:0021056, OMIM 175100. Disease mechanism: loss of function.
Malignant tumor of breast. Also called: Malignant breast neoplasm; Cancer breast. Identifiers: MedGen C0006142, MONDO:0007254. Disease mechanism: loss of function.

Allele frequency attached by ClinVar (database versions not stated): gnomAD 0.00004; ESP Exome Variant Server 0.00008; TOPMed 0.00009; ExAC 0.00028.
gnomAD v4.1: 115 of 1,612,778 alleles (0.0071%); highest among the groups gnomAD compares: Admixed American, 0.12%; no homozygotes.

Submissions (14):

CeGaT Center for Human Genetics Tuebingen
Classification: Likely benign. Last evaluated: 2026-06-01. Review status: criteria provided, single submitter. Criteria: CeGaT Center For Human Genetics Tuebingen Variant Classification Criteria Version 2. Collection method: clinical testing. Allele origin: germline. Affected: yes. Observed: 3 variant alleles.
Comment: APC: BP4, BP7, BS1

Labcorp Genetics (formerly Invitae), Labcorp
Classification: Benign for Familial adenomatous polyposis 1. Last evaluated: 2026-02-02. Review status: criteria provided, single submitter. Criteria: Invitae Variant Classification Sherloc (09022015). Collection method: clinical testing. Allele origin: germline.

Myriad Genetics, Inc.
Classification: Benign for Familial adenomatous polyposis 1. Last evaluated: 2024-04-04. Review status: criteria provided, single submitter. Criteria: Myriad Autosomal Dominant, Autosomal Recessive and X-Linked Classification Criteria (2023). Collection method: clinical testing. Allele origin: unknown.
Comment: This variant is considered benign. This variant is a silent/synonymous amino acid change and it is not expected to impact splicing.

Institute for Biomarker Research, Medical Diagnostic Laboratories, L.L.C.
Classification: Likely benign for Hereditary cancer-predisposing syndrome. Last evaluated: 2024-03-14. Review status: criteria provided, single submitter. Criteria: ACMG Guidelines, 2015. Collection method: clinical testing. Allele origin: germline.

All of Us Research Program, National Institutes of Health
Classification: Benign for Classic or attenuated familial adenomatous polyposis. Last evaluated: 2024-02-05. Review status: criteria provided, single submitter. Criteria: ACMG Guidelines, 2015. Collection method: clinical testing. Allele origin: germline. Inheritance: Autosomal dominant inheritance. Observed: 35 variant alleles, 35 heterozygotes.
Comment: This study involves interpretation of variants in research participants for the purpose of population health screening. Participant phenotype was not available at the time of variant classification. Additional details can be found in publication PMID: 35346344, PMCID: PMC8962531

Blueprint Genetics
Classification: Likely benign. Last evaluated: 2023-11-16. Review status: criteria provided, single submitter. Criteria: ACMG Guidelines, 2015. Collection method: clinical testing. Allele origin: germline.

KCCC/NGS Laboratory, Kuwait Cancer Control Center
Classification: Benign for Familial adenomatous polyposis 1. Last evaluated: 2023-07-07. Review status: criteria provided, single submitter. Criteria: ACMG Guidelines, 2015. Collection method: clinical testing. Allele origin: germline. Affected: yes.

Sema4
Classification: Benign for Hereditary cancer-predisposing syndrome. Last evaluated: 2020-11-09. Review status: criteria provided, single submitter. Criteria: Sema4 Curation Guidelines. Collection method: curation. Allele origin: germline.

Quest Diagnostics Nichols Institute San Juan Capistrano
Classification: Benign. Last evaluated: 2020-01-20. Review status: criteria provided, single submitter. Criteria: Quest Diagnostics criteria. Collection method: clinical testing. Allele origin: unknown.

Women's Health and Genetics/Laboratory Corporation of America, LabCorp
Classification: Benign. Last evaluated: 2017-01-26. Review status: criteria provided, single submitter. Criteria: LabCorp Variant Classification Summary - May 2015. Collection method: clinical testing. Allele origin: germline.
Comment: Variant summary: The APC c.6387G>A (p.Ser2129Ser) variant causes a synonymous change involving a non-conserved nucleotide, 4/5 splice prediction tools predict no significant impact on normal splicing, although these predictions have yet to be functionally assessed. The variant of interest was observed in the large, broad control population, ExAC, with an allele frequency of 34/121086 (1/3561), predominantly in the Latino cohort, 30/11544 (1/384), which significantly exceeds the estimated maximal expected allele frequency for a pathogenic APC variant of 1/14005. Therefore, suggesting this is likely a benign polymorphism found primarily in population(s) of Latino origin. The variant of interest has not been, to our knowledge, reported in affected individuals via publications, although multiple clinical diagnostic laboratories cite the variant with a classification of "likely benign/benign." Therefore, the variant of interest has been classified as Benign.

Color Diagnostics, LLC DBA Color Health
Classification: Benign for Hereditary cancer-predisposing syndrome. Last evaluated: 2016-05-03. Review status: criteria provided, single submitter. Criteria: ACMG Guidelines, 2015. Collection method: clinical testing. Allele origin: germline.

GeneDx
Classification: Benign. Last evaluated: 2015-03-03. Review status: criteria provided, single submitter. Criteria: GeneDx Variant Classification Process June 2021. Collection method: clinical testing. Allele origin: germline. Affected: yes.

Ambry Genetics
Classification: Likely benign for Hereditary cancer-predisposing syndrome. Last evaluated: 2014-12-09. Review status: criteria provided, single submitter. Criteria: Ambry Variant Classification Scheme 2023. Collection method: clinical testing. Allele origin: germline.

Department of Pathology and Laboratory Medicine, Sinai Health System
Classification: Likely benign for Malignant tumor of breast. Review status: no assertion criteria provided. Collection method: clinical testing. Allele origin: unknown. Affected: yes. Study: The Canadian Open Genetics Repository (COGR). Not counted in ClinVar's aggregate classification.
Comment: The APC p.Ser2129= variant was not identified in the literature nor was it identified in the COGR, Cosmic, LOVD 3.0, UMD-LSDB, or in Zhejiang University databases. The variant was identified in dbSNP (ID: rs374310157) as "With other allele ", and in ClinVar (classified as benign by Invitae, Color Genomics, Integrated Genetics/Laboratory Corporation of America; as likely benign by Ambry Genetics, and one clinical laboratory), databases. The variant was identified in control databases in 80 of 276588 chromosomes at a frequency of 0.0003 increasing the likelihood this could be a low frequency benign variant (Genome Aggregation Database Feb 27, 2017). The variant was observed in the following populations: Other in 1 of 6450 chromosomes (freq: 0.00015), Latino in 72 of 34390 chromosomes (freq: 0.002), European in 6 of 126234 chromosomes (freq: 0.000048), and South Asian in 1 of 30774 chromosomes (freq: 0.00003); it was not observed in the African, Ashkenazi Jewish, East Asian, and in Finnish populations. The p.Ser2129= variant is not expected to have clinical significance because it does not result in a change of amino acid and is not located in a known consensus splice site. In addition, in silico or computational prediction software programs (SpliceSiteFinder, MaxEntScan, NNSPLICE, GeneSplicer, HumanSpliceFinder) do not predict a difference in splicing. In summary, based on the above information the clinical significance of this variant cannot be determined with certainty at this time although we would lean towards a more benign role for this variant. This variant is classified as likely benign.

NM_000038.6(APC):c.6387G>A (p.Ser2129=)

Gene: APC (APC regulator of Wnt signaling pathway; plus strand). Cytogenetic location: 5q22.2.
Variant type: single nucleotide variant.
Coding change: c.6387G>A on transcript NM_000038.6 (MANE Select); coding-DNA position 6387, G replaced by A.
Protein change: p.Ser2129=; no amino-acid change (serine 2129 retained).
Molecular consequence: synonymous variant.
Genome position (GRCh38, 1-based): chr5:112,841,981, G>A. VCF-style: chr5-112841981-G-A. GRCh37 (hg19) VCF-style: chr5-112177678-G-A.
Other names: c.6387G>A, p.Ser2129= (NM_001127510.3, NM_001354895.2); c.6333G>A, p.Ser2111= (NM_001127511.3); c.6441G>A, p.Ser2147= (NM_001354896.2); c.6417G>A, p.Ser2139= (NM_001354897.2); c.6312G>A, p.Ser2104= (NM_001354898.2); c.6303G>A, p.Ser2101= (NM_001354899.2); c.6264G>A, p.Ser2088= (NM_001354900.2); c.6210G>A, p.Ser2070= (NM_001354901.2); and 5 more.
Identifiers: ClinVar variation 183971 (VCV000183971.43), dbSNP rs374310157, ClinGen allele CA011157.